The following is an entry in ClinVar:

NM_001367624.2(ZNF469):c.4972T>A (p.Trp1658Arg)

Gene: ZNF469 (zinc finger protein 469; plus strand). Cytogenetic location: 16q24.2.
Variant type: single nucleotide variant.
Coding change: c.4972T>A on transcript NM_001367624.2 (MANE Select); coding-DNA position 4972, T replaced by A.
Protein change: p.Trp1658Arg; replaces tryptophan 1658 with arginine.
Molecular consequence: missense variant.
Genome position (GRCh38, 1-based): chr16:88,432,442, T>A. VCF-style: chr16-88432442-T-A. GRCh37 (hg19) VCF-style: chr16-88498850-T-A.
Other names: NM_001127464.2:c.4888T>A; NM_001127464.1:c.4888T>A; p.Trp1658Arg; short protein forms W1658R.
Identifiers: ClinVar variation 1362386 (VCV001362386.15), dbSNP rs554985503, ClinGen allele CA8225031.

ClinVar aggregate classification (germline): Conflicting classifications of pathogenicity. Review status: criteria provided, conflicting classifications (1 of 4 stars). 7 submissions from 7 submitters: Uncertain significance (5); Likely benign (2). Last evaluated 2026-05-18.

Conditions:
Cardiovascular phenotype. Identifiers: MedGen CN230736.
Brittle cornea syndrome 1 (BCS1). Also called: CORNEAL FRAGILITY, KERATOGLOBUS, BLUE SCLERAE, JOINT HYPEREXTENSIBILITY; EDS6B; FRAGILITAS OCULI WITH JOINT HYPEREXTENSIBILITY; Corneal fragility keratoglobus, blue sclerae AND joint hypermobility; DYSGENESIS MESODERMALIS CORNEAE ET SCLERAE. Identifiers: Orphanet 90354, MedGen C0268344, MONDO:0024543, OMIM 229200.
Ehlers-Danlos syndrome (EDS). Identifiers: Orphanet 98249, MedGen C0013720, MONDO:0020066.

Allele frequency attached by ClinVar (database versions not stated): gnomAD exomes 0.00009 and 0.00002; 1000 Genomes Project 0.00040; gnomAD 0.00009 and 0.00008; 1000 Genomes Project 30x 0.00047; TOPMed 0.00010; ExAC 0.00012.
gnomAD v4.1: 46 of 1,550,216 alleles (0.003%); highest among the groups gnomAD compares: Admixed American, 0.053%; no homozygotes.

Submissions (7):

Women's Health and Genetics/Laboratory Corporation of America, LabCorp
Classification: Uncertain significance. Last evaluated: 2026-05-18. Review status: criteria provided, single submitter. Criteria: LabCorp Variant Classification Summary - May 2015. Collection method: clinical testing. Allele origin: germline.
Comment: Variant summary: ZNF469 c.4972T>A (p.Trp1658Arg) results in a non-conservative amino acid change in the encoded protein sequence. Algorithms developed to predict the effect of missense changes on protein structure and function are either unavailable or do not agree on the potential impact of this missense change. The variant allele was found at a frequency of 9.2e-05 in 152918 control chromosomes. This frequency is not significantly higher than estimated for disease-causing variants in ZNF469, allowing no conclusion about variant significance. To our knowledge, no occurrence of c.4972T>A in individuals affected with ZNF469-related conditions and no experimental evidence demonstrating its impact on protein function have been reported. ClinVar contains an entry for this variant (Variation ID: 1362386). Based on the evidence outlined above, the variant was classified as uncertain significance.

Labcorp Genetics (formerly Invitae), Labcorp
Classification: Uncertain significance. Last evaluated: 2025-11-20. Review status: criteria provided, single submitter. Criteria: Invitae Variant Classification Sherloc (09022015). Collection method: clinical testing. Allele origin: germline.
Comment: This sequence change replaces tryptophan, which is neutral and slightly polar, with arginine, which is basic and polar, at codon 1630 of the ZNF469 protein (p.Trp1630Arg). This variant is present in population databases (rs554985503, gnomAD 0.05%). This variant has not been reported in the literature in individuals affected with ZNF469-related conditions. ClinVar contains an entry for this variant (Variation ID: 1362386). An algorithm developed to predict the effect of missense changes on protein structure and function outputs the following: PolyPhen-2: "Probably Damaging". The arginine amino acid residue is found in multiple mammalian species, which suggests that this missense change does not adversely affect protein function. In summary, the available evidence is currently insufficient to determine the role of this variant in disease. Therefore, it has been classified as a Variant of Uncertain Significance.

Mayo Clinic Laboratories, Mayo Clinic
Classification: Likely benign. Last evaluated: 2025-10-14. Review status: criteria provided, single submitter. Criteria: ACMG Guidelines, 2015. Collection method: clinical testing. Allele origin: germline. Observed: 1 variant allele.
Comment: BS1, BP4_moderate

GeneDx
Classification: Uncertain significance. Last evaluated: 2024-10-02. Review status: criteria provided, single submitter. Criteria: GeneDx Variant Classification Process June 2021. Collection method: clinical testing. Allele origin: germline. Affected: yes.
Comment: Has not been previously published as pathogenic or benign to our knowledge; In silico analysis supports that this missense variant has a deleterious effect on protein structure/function

Fulgent Genetics
Classification: Uncertain significance for Brittle cornea syndrome 1. Last evaluated: 2024-06-13. Review status: criteria provided, single submitter. Criteria: ACMG Guidelines, 2015. Collection method: clinical testing. Allele origin: germline.

Ambry Genetics
Classification: Likely benign for Cardiovascular phenotype. Last evaluated: 2022-01-04. Review status: criteria provided, single submitter. Criteria: Ambry Variant Classification Scheme 2023. Collection method: clinical testing. Allele origin: germline.

Genome Diagnostics Laboratory, The Hospital for Sick Children
Classification: Uncertain significance for Ehlers-Danlos syndrome. Last evaluated: 2020-07-01. Review status: criteria provided, single submitter. Criteria: ACMG Guidelines, 2015. Collection method: clinical testing. Allele origin: germline.